The following is an entry in ClinVar:

NM_001378452.1(ITPR1):c.5163C>A (p.Asn1721Lys)

Gene: ITPR1 (inositol 1,4,5-trisphosphate receptor type 1; plus strand). Cytogenetic location: 3p26.1.
Variant type: single nucleotide variant.
Coding change: c.5163C>A on transcript NM_001378452.1 (MANE Select); coding-DNA position 5163, C replaced by A.
Protein change: p.Asn1721Lys; replaces asparagine 1721 with lysine.
Molecular consequence: missense variant. On other transcripts: intron variant (2).
Genome position (GRCh38, 1-based): chr3:4,725,572, C>A. VCF-style: chr3-4725572-C-A. GRCh37 (hg19) VCF-style: chr3-4767256-C-A.
Other names: c.5077-7516C>A (NM_001099952.4); c.5032-7516C>A (NM_002222.7, NM_002222.5); c.5118C>A, p.Asn1706Lys (NM_001168272.2); c.5118C>A (NM_001168272.1); short protein forms N1721K, N1706K.
Identifiers: ClinVar variation 871618 (VCV000871618.46), dbSNP rs201937660, ClinGen allele CA2232208.

ClinVar aggregate classification (germline): Likely benign. Review status: criteria provided, multiple submitters, no conflicts (2 of 4 stars). 5 submissions from 5 submitters: Likely benign (5). Last evaluated 2025-04-30.

Conditions:
ITPR1-related disorder. Also called: ITPR1-related condition.
Inborn genetic diseases. Identifiers: MedGen C0950123, MeSH D030342.

Allele frequency attached by ClinVar (database versions not stated): TOPMed 0.00036; gnomAD 0.00056 and 0.00060; ESP Exome Variant Server 0.00058; ExAC 0.00120.
gnomAD v4.1: 992 of 1,599,016 alleles (0.062%); highest among the groups gnomAD compares: Non-Finnish European, 0.064%; no homozygotes.

Submissions (5):

PreventionGenetics, part of Exact Sciences
Classification: Likely benign for ITPR1-related condition. Last evaluated: 2025-04-30. Review status: criteria provided, single submitter. Criteria: ACMG Guidelines, 2015. Collection method: clinical testing. Allele origin: germline.
Comment: This variant is classified as likely benign based on ACMG/AMP sequence variant interpretation guidelines (Richards et al. 2015 PMID: 25741868, with internal and published modifications).

Ambry Genetics
Classification: Likely benign for Inborn genetic diseases. Last evaluated: 2025-01-09. Review status: criteria provided, single submitter. Criteria: Ambry Variant Classification Scheme 2023. Collection method: clinical testing. Allele origin: germline.

Blueprint Genetics
Classification: Likely benign. Last evaluated: 2024-09-09. Review status: criteria provided, single submitter. Criteria: ACMG Guidelines, 2015. Collection method: clinical testing. Allele origin: germline.

CeGaT Center for Human Genetics Tuebingen
Classification: Likely benign. Last evaluated: 2024-07-01. Review status: criteria provided, single submitter. Criteria: CeGaT Center For Human Genetics Tuebingen Variant Classification Criteria Version 2. Collection method: clinical testing. Allele origin: germline. Affected: yes. Observed: 2 variant alleles.
Comment: ITPR1: BP4, BS1

Laboratorio de Genetica e Diagnostico Molecular, Hospital Israelita Albert Einstein
Classification: Likely benign. Last evaluated: 2020-02-10. Review status: criteria provided, single submitter. Criteria: ACMG Guidelines, 2015. Collection method: clinical testing. Allele origin: germline. Affected: yes.
Comment: ACMG classification criteria: BS1, BP4